The following is an entry in ClinVar:

ClinVar aggregate classification (germline): Likely benign. Review status: criteria provided, multiple submitters, no conflicts (2 of 4 stars). 2 submissions from 2 submitters: Likely benign (2). Last evaluated 2026-03-24.

Conditions:
STX3-related disorder. Also called: STX3-related condition.

Allele frequency attached by ClinVar (database versions not stated): TOPMed 0.00002; 1000 Genomes Project 30x 0.00016; 1000 Genomes Project 0.00020.
gnomAD v4.1: 332 of 1,613,478 alleles (0.021%); highest among the groups gnomAD compares: South Asian, 0.35%; 4 homozygotes.

Submissions (2):

PreventionGenetics, part of Exact Sciences
Classification: Likely benign for STX3-related condition. Last evaluated: 2026-03-24. Review status: criteria provided, single submitter. Criteria: ACMG Guidelines, 2015. Collection method: clinical testing. Allele origin: germline.
Comment: This variant is classified as likely benign based on ACMG/AMP sequence variant interpretation guidelines (Richards et al. 2015 PMID: 25741868, with internal and published modifications).

Labcorp Genetics (formerly Invitae), Labcorp
Classification: Likely benign. Last evaluated: 2025-12-31. Review status: criteria provided, single submitter. Criteria: Invitae Variant Classification Sherloc (09022015). Collection method: clinical testing. Allele origin: germline.

NM_004177.5(STX3):c.739C>G (p.Arg247Gly)

Gene: STX3 (syntaxin 3; plus strand). Cytogenetic location: 11q12.1.
Variant type: single nucleotide variant.
Coding change: c.739C>G on transcript NM_004177.5 (MANE Select); coding-DNA position 739, C replaced by G.
Protein change: p.Arg247Gly; replaces arginine 247 with glycine.
Molecular consequence: missense variant.
Genome position (GRCh38, 1-based): chr11:59,795,435, C>G. VCF-style: chr11-59795435-C-G. GRCh37 (hg19) VCF-style: chr11-59562908-C-G.
Other names: c.739C>G (NM_004177.4); c.739C>G, p.Arg247Gly (NM_001178040.3); short protein forms R247G.
Identifiers: ClinVar variation 1462754 (VCV001462754.9), dbSNP rs575668968, ClinGen allele CA6020994.
Genomic context (GRCh38, chr11:59,795,435, plus strand): 5'-GAGATGTTAGATAACATAGAGTTGAATGTCATGCACACAGTGGACCACGTGGAGAAGGCA[C>G]GAGATGAAACGAAAAAAGCTGTGAAATACCAGAGTCAGGCCCGGAAGGTGAGACTCTCCT-3'
Protein context (NP_004168.1, residues 237-257): MHTVDHVEKA[Arg247Gly]DETKKAVKYQ